The following is an entry in ClinVar:

NM_000393.5(COL5A2):c.875C>T (p.Ala292Val)

Gene: COL5A2 (collagen type V alpha 2 chain; minus strand). Cytogenetic location: 2q32.2.
Variant type: single nucleotide variant.
Coding change: c.875C>T on transcript NM_000393.5 (MANE Select); coding-DNA position 875, C replaced by T.
Protein change: p.Ala292Val; replaces alanine 292 with valine.
Molecular consequence: missense variant.
Genome position (GRCh38, 1-based): chr2:189,081,021, G>A on the plus strand (C>T on the coding strand, the complement: COL5A2 is on the minus strand). VCF-style: chr2-189081021-G-A. GRCh37 (hg19) VCF-style: chr2-189945747-G-A.
Other names: short protein forms A292V.
Identifiers: ClinVar variation 626090 (VCV000626090.45), dbSNP rs1211991688, ClinGen allele CA349857247.

ClinVar aggregate classification (germline): Uncertain significance. Review status: criteria provided, multiple submitters, no conflicts (2 of 4 stars). 3 submissions from 2 submitters: Uncertain significance (3). Last evaluated 2026-08-01.

Conditions:
Ehlers-Danlos syndrome, classic type (cEDS). Identifiers: Orphanet 287, MedGen C4225429, MONDO:0007522.
Ehlers-Danlos syndrome, classic type, 2 (EDSCL2). Also called: Ehlers-Danlos syndrome, type 2; Ehlers-Danlos Syndrome, Classic Type, COL5A2-Related; Ehlers-Danlos syndrome type 2 (formerly). Identifiers: Orphanet 287, Orphanet 90318, MedGen C0268336, MONDO:0019568, OMIM 130010.

Allele frequency attached by ClinVar (database versions not stated): gnomAD exomes below 0.00001.
gnomAD v4.1: 3 of 1,613,500 alleles (0.00019%); highest among the groups gnomAD compares: Non-Finnish European, 0.00025%; no homozygotes.

Submissions (3):

CeGaT Center for Human Genetics Tuebingen
Classification: Uncertain significance. Last evaluated: 2026-08-01. Review status: criteria provided, single submitter. Criteria: CeGaT Center For Human Genetics Tuebingen Variant Classification Criteria Version 2. Collection method: clinical testing. Allele origin: germline. Affected: yes. Observed: 2 variant alleles.
Comment: COL5A2: PM2, PP2

Center for Genomics, Ann and Robert H. Lurie Children's Hospital of Chicago
Classification: Uncertain significance for Ehlers-Danlos syndrome, classic type, 2. Last evaluated: 2021-03-30. Review status: criteria provided, single submitter. Criteria: ACMG Guidelines, 2015. Collection method: clinical testing. Allele origin: germline.
Comment: COL5A2 NM_000393.4 exon 13 p.Ala292Val (c.875C>T): This variant has not been reported in the literature but is present in 1/111668 European alleles in the Genome Aggregation Database. Evolutionary conservation and computational predictive tools for this variant are unclear. In summary, data on this variant is insufficient for disease classification. Therefore, the clinical significance of this variant is uncertain.

Center for Genomics, Ann and Robert H. Lurie Children's Hospital of Chicago
Classification: Uncertain significance for Ehlers-Danlos syndrome, classic type, 1. Last evaluated: 2018-07-05. Review status: criteria provided, single submitter. Criteria: ACMG Guidelines, 2015. Collection method: clinical testing. Allele origin: germline.
Comment: the same text as in the submission from Center for Genomics, Ann and Robert H. Lurie Children's Hospital of Chicago above.